The following is an entry in ClinVar:

ClinVar aggregate classification (germline): Likely benign. Review status: criteria provided, single submitter (1 of 4 stars). 2 submissions from 2 submitters: Likely benign (1). 1 of the submissions does not count toward it. Last evaluated 2024-11-22.

Conditions:
ALPI-related disorder. Also called: ALPI-related condition.

Allele frequency attached by ClinVar (database versions not stated): 1000 Genomes Project 0.00040; 1000 Genomes Project 30x 0.00047; ESP Exome Variant Server 0.00069; TOPMed 0.00079; ExAC 0.00095; gnomAD 0.00095; gnomAD exomes 0.00099.
gnomAD v4.1: 1,578 of 1,613,588 alleles (0.098%); highest among the groups gnomAD compares: Admixed American, 0.14%; 3 homozygotes.

Submissions (2):

Blueprint Genetics
Classification: Likely benign. Last evaluated: 2024-11-22. Review status: criteria provided, single submitter. Criteria: ACMG Guidelines, 2015. Collection method: clinical testing. Allele origin: germline.

PreventionGenetics, part of Exact Sciences
Classification: Likely benign for ALPI-related condition. Last evaluated: 2019-03-21. Review status: no assertion criteria provided. Collection method: clinical testing. Allele origin: germline. Not counted in ClinVar's aggregate classification.
Comment: This variant is classified as likely benign based on ACMG/AMP sequence variant interpretation guidelines (Richards et al. 2015 PMID: 25741868, with internal and published modifications).

NM_001631.5(ALPI):c.857-7C>T

Gene: ALPI (alkaline phosphatase, intestinal; plus strand). Cytogenetic location: 2q37.1.
Variant type: single nucleotide variant.
Coding change: c.857-7C>T on transcript NM_001631.5 (MANE Select); 7 bases into the intron before coding-DNA position 857, C replaced by T.
Molecular consequence: intron variant.
Genome position (GRCh38, 1-based): chr2:232,457,991, C>T. VCF-style: chr2-232457991-C-T. GRCh37 (hg19) VCF-style: chr2-233322701-C-T.
Identifiers: ClinVar variation 3034146 (VCV003034146.3), dbSNP rs201251145, ClinGen allele CA2166559.